The following is an entry in ClinVar:

ClinVar aggregate classification (germline): Pathogenic (1 of 4 stars; one submission).

Conditions:
Fabry disease. Also called: ALPHA-GALACTOSIDASE A DEFICIENCY; ANDERSON-FABRY DISEASE; CERAMIDE TRIHEXOSIDASE DEFICIENCY; GLA DEFICIENCY; HEREDITARY DYSTOPIC LIPIDOSIS; Angiokeratoma corporis diffusum. Identifiers: Orphanet 324, MedGen C0002986, MONDO:0010526, OMIM 301500, HP:0001071. Disease mechanism: Fabry disease is due to inactivating mutations in the X-linked GLA gene resulting in deficiency of the enzyme Alpha Galactosidase-A., loss of function.

Submission:

Genomenon, Inc
Classification: Pathogenic for Fabry disease. Last evaluated: 2026-09-08. Review status: criteria provided, single submitter. Criteria: Genomenon Sequence Variant Interpretation Standards - Updated. Collection method: curation. Allele origin: germline. Affected: yes.
Comment: GLA p.Leu36Ser (c.107T>C) is a missense variant that changes the amino acid at codon 36 from Leucine to Serine. This variant has been observed in at least one proband with clinical features consistent with Fabry disease (PMID:18849176). The variant was found to segregate with disease in at least one affected family (PMID:18849176). At least one functional study has demonstrated a substantial alteration in protein function relative to the wild-type (PMID:23935525). It is absent or not present at a significant frequency in gnomAD. In silico models predict that this variant is possibly or probably damaging. In conclusion, we classify GLA p.Leu36Ser (c.107T>C) as a pathogenic variant.

Literature cited by the submitters: PubMed 18849176; PubMed 23935525.

NM_000169.3(GLA):c.107T>C (p.Leu36Ser)

Genes: GLA (galactosidase alpha; minus strand), RPL36A-HNRNPH2 (RPL36A-HNRNPH2 readthrough; plus strand). Cytogenetic location: Xq22.1.
Variant type: single nucleotide variant.
Coding change: c.107T>C on transcript NM_000169.3 (MANE Select); coding-DNA position 107, T replaced by C.
Protein change: p.Leu36Ser; replaces leucine 36 with serine.
Molecular consequence: missense variant. On other transcripts: non-coding transcript variant (3), intron variant (2).
Genome position (GRCh38, 1-based): chrX:101,407,797, A>G on the plus strand (T>C on the coding strand, the complement: GLA is on the minus strand). VCF-style: chrX-101407797-A-G. GRCh37 (hg19) VCF-style: chrX-100662785-A-G.
Other names: c.107T>C, p.Leu36Ser (NM_001406747.1, NM_001406748.1, NM_001406749.1); c.301-4139A>G (NM_001199973.2); c.178-4139A>G (NM_001199974.2); short protein forms L36S.
Identifiers: ClinVar variation 4087514 (VCV004087514.2).